The following is an entry in ClinVar:

ClinVar aggregate classification (germline): Likely benign. Review status: criteria provided, multiple submitters, no conflicts (2 of 4 stars). 2 submissions from 2 submitters: Likely benign (2). Last evaluated 2019-09-24.

Conditions:
Creatine transporter deficiency (CCDS1). Also called: SLC6A8-Related Creatine Transporter Deficiency; CREATINE TRANSPORTER DEFECT; CEREBRAL CREATINE DEFICIENCY SYNDROME 1; Mental retardation , X-linked with seizures, short stature and midface hypoplasia; Mental retardation , X-linked, with creatine transport deficiency; X-linked creatine transporter deficiency. Identifiers: Orphanet 52503, MedGen C1845862, MONDO:0010305, OMIM 300352.

Submissions (2):

Labcorp Genetics (formerly Invitae), Labcorp
Classification: Likely benign for Creatine transporter deficiency. Last evaluated: 2019-09-24. Review status: criteria provided, single submitter. Criteria: Invitae Variant Classification Sherloc (09022015). Collection method: clinical testing. Allele origin: germline.

GeneDx
Classification: Likely benign. Last evaluated: 2016-05-25. Review status: criteria provided, single submitter. Criteria: GeneDx Variant Classification (06012015). Collection method: clinical testing. Allele origin: germline. Affected: yes.
Comment: This variant is considered likely benign or benign based on one or more of the following criteria: it is a conservative change, it occurs at a poorly conserved position in the protein, it is predicted to be benign by multiple in silico algorithms, and/or has population frequency not consistent with disease.

NM_005629.4(SLC6A8):c.1677C>T (p.Ala559=)

Gene: SLC6A8 (solute carrier family 6 member 8; plus strand). Cytogenetic location: Xq28.
Variant type: single nucleotide variant.
Coding change: c.1677C>T on transcript NM_005629.4 (MANE Select); coding-DNA position 1677, C replaced by T.
Protein change: p.Ala559=; no amino-acid change (alanine 559 retained).
Molecular consequence: synonymous variant.
Genome position (GRCh38, 1-based): chrX:153,694,799, C>T. VCF-style: chrX-153694799-C-T. GRCh37 (hg19) VCF-style: chrX-152960254-C-T.
Other names: c.1647C>T, p.Ala549= (NM_001142805.2); c.1332C>T, p.Ala444= (NM_001142806.1).
Identifiers: ClinVar variation 386244 (VCV000386244.9), dbSNP rs1057522460, ClinGen allele CA16608772.